The following is an entry in ClinVar:

ClinVar aggregate classification (germline): Uncertain significance (1 of 4 stars; one submission).

Submission:

Labcorp Genetics (formerly Invitae), Labcorp
Classification: Uncertain significance. Last evaluated: 2022-06-20. Review status: criteria provided, single submitter. Criteria: Invitae Variant Classification Sherloc (09022015). Collection method: clinical testing. Allele origin: germline.
Comment: This sequence change creates a premature translational stop signal (p.Gln1203*) in the ADGRA3 gene. While this is not anticipated to result in nonsense mediated decay, it is expected to disrupt the last 119 amino acid(s) of the ADGRA3 protein. Information on the frequency of this variant in the gnomAD database is not available, as this variant may be reported differently in the database. In summary, the available evidence is currently insufficient to determine the role of this variant in disease. Therefore, it has been classified as a Variant of Uncertain Significance. Experimental studies and prediction algorithms are not available or were not evaluated, and the functional significance of this variant is currently unknown. ClinVar contains an entry for this variant (Variation ID: 1000306). This variant has not been reported in the literature in individuals affected with ADGRA3-related conditions.

NM_145290.4(ADGRA3):c.3606_3607delinsTT (p.Gln1203Ter)

Gene: ADGRA3 (adhesion G protein-coupled receptor A3; minus strand). Cytogenetic location: 4p15.2.
Variant type: Indel.
Coding change: c.3606_3607delinsTT on transcript NM_145290.4 (MANE Select); coding-DNA positions 3606 to 3607, GC replaced by TT.
Protein change: p.Gln1203Ter; replaces glutamine 1203 with a stop codon.
Molecular consequence: nonsense.
Genome position (GRCh38, 1-based): chr4:22,388,064-22,388,065, GC replaced by AA on the plus strand (GC replaced by TT on the coding strand, the reverse complement: ADGRA3 is on the minus strand). VCF-style: chr4-22388064-GC-AA. GRCh37 (hg19) VCF-style: chr4-22389687-GC-AA.
Other names: short protein forms Q1203*.
Identifiers: ClinVar variation 1000306 (VCV001000306.6), dbSNP rs1713920613, ClinGen allele CA1443934105.